The following is an entry in ClinVar:

ClinVar aggregate classification (germline): Likely benign. Review status: criteria provided, single submitter (1 of 4 stars). 2 submissions from 2 submitters: Likely benign (1). 1 of the submissions does not count toward it. Last evaluated 2024-10-15.

Conditions:
PDHA1-related disorder. Also called: PDHA1-related condition.

Allele frequency attached by ClinVar (database versions not stated): ExAC 0.00013; TOPMed 0.00021; gnomAD 0.00026.
gnomAD v4.1: 349 of 1,189,810 alleles (0.029%); highest among the groups gnomAD compares: Middle Eastern, 0.069%; 1 homozygote.

Submissions (2):

Blueprint Genetics
Classification: Likely benign. Last evaluated: 2024-10-15. Review status: criteria provided, single submitter. Criteria: ACMG Guidelines, 2015. Collection method: clinical testing. Allele origin: germline.

PreventionGenetics, part of Exact Sciences
Classification: Likely benign for PDHA1-related condition. Last evaluated: 2019-08-17. Review status: no assertion criteria provided. Collection method: clinical testing. Allele origin: germline. Not counted in ClinVar's aggregate classification.
Comment: This variant is classified as likely benign based on ACMG/AMP sequence variant interpretation guidelines (Richards et al. 2015 PMID: 25741868, with internal and published modifications).

NM_000284.4(PDHA1):c.759+23C>T

Gene: PDHA1 (pyruvate dehydrogenase E1 subunit alpha 1; plus strand). Cytogenetic location: Xp22.12.
Variant type: single nucleotide variant.
Coding change: c.759+23C>T on transcript NM_000284.4 (MANE Select); 23 bases into the intron after coding-DNA position 759, C replaced by T.
Molecular consequence: intron variant.
Genome position (GRCh38, 1-based): chrX:19,355,527, C>T. VCF-style: chrX-19355527-C-T. GRCh37 (hg19) VCF-style: chrX-19373645-C-T.
Other names: c.873+23C>T (NM_001173454.2); c.780+23C>T (NM_001173455.2); c.666+23C>T (NM_001173456.2).
Identifiers: ClinVar variation 3053046 (VCV003053046.3), dbSNP rs200051912, ClinGen allele CA10363088.